The following is an entry in ClinVar:

NM_152513.4(MEI1):c.1000_1003del (p.Ser334fs)

Gene: MEI1 (meiotic double-stranded break formation protein 1; plus strand). Cytogenetic location: 22q13.2.
Variant type: Microsatellite.
Coding change: c.1000_1003del on transcript NM_152513.4 (MANE Select); coding-DNA positions 1000 to 1003, 4 bases deleted (TCTT; older notation c.1000_1003delTCTT).
Protein change: p.Ser334fs; shifts the reading frame from serine 334.
Molecular consequence: frameshift variant.
Genome position (GRCh38, 1-based): chr22:41,730,541-41,730,544, TCTT deleted; deleting any 4 consecutive bases within chr22:41,730,537-41,730,544 gives the same sequence; the c. name uses the placement nearest the transcript's 3' end. VCF-style (leftmost placement, unchanged base first): chr22-41730536-ATCTT-A. GRCh37 (hg19) VCF-style: chr22-42126540-ATCTT-A.
Other names: short protein forms S334fs.
Identifiers: ClinVar variation 2079114 (VCV002079114.1), dbSNP rs2518836614, ClinGen allele CA2580615324.
Genomic context (GRCh38, chr22:41,730,536, plus strand): 5'-TCACATGGCTGTCATTTATTGTTTTCTCATCCTCTCCCTTGTTAGAGTTCCTCTTTGAGC[ATCTT>A]TCTTCTTCCAGTGAAGTGCTCGTCTGGTCCAGCTGTAACTGCTTGACACTCCTGGTAGAA-3'

ClinVar aggregate classification (germline): Pathogenic (1 of 4 stars; one submission).

Submission:

Labcorp Genetics (formerly Invitae), Labcorp
Classification: Pathogenic. Last evaluated: 2022-06-27. Review status: criteria provided, single submitter. Criteria: Invitae Variant Classification Sherloc (09022015). Collection method: clinical testing. Allele origin: germline.
Comment: This sequence change creates a premature translational stop signal (p.Ser334Leufs*14) in the MEI1 gene. It is expected to result in an absent or disrupted protein product. Loss-of-function variants in MEI1 are known to be pathogenic (PMID: 30388401). This variant is not present in population databases (gnomAD no frequency). This variant has not been reported in the literature in individuals affected with MEI1-related conditions. For these reasons, this variant has been classified as Pathogenic.

Literature cited by the submitters: PubMed 30388401.